The following is an entry in ClinVar:

ClinVar aggregate classification (germline): Uncertain significance (1 of 4 stars; one submission).

Submission:

Labcorp Genetics (formerly Invitae), Labcorp
Classification: Uncertain significance. Last evaluated: 2025-09-08. Review status: criteria provided, single submitter. Criteria: Invitae Variant Classification Sherloc (09022015). Collection method: clinical testing. Allele origin: germline.
Comment: This sequence change replaces glutamine, which is neutral and polar, with arginine, which is basic and polar, at codon 1334 of the ATR protein (p.Gln1334Arg). This variant is not present in population databases (gnomAD no frequency). This variant has not been reported in the literature in individuals affected with ATR-related conditions. ClinVar contains an entry for this variant (Variation ID: 1919859). An algorithm developed to predict the effect of missense changes on protein structure and function (PolyPhen-2) suggests that this variant is likely to be tolerated. In summary, the available evidence is currently insufficient to determine the role of this variant in disease. Therefore, it has been classified as a Variant of Uncertain Significance.

NM_001184.4(ATR):c.4001A>G (p.Gln1334Arg)

Gene: ATR (ATR checkpoint kinase; minus strand). Cytogenetic location: 3q23.
Variant type: single nucleotide variant.
Coding change: c.4001A>G on transcript NM_001184.4 (MANE Select); coding-DNA position 4001, A replaced by G.
Protein change: p.Gln1334Arg; replaces glutamine 1334 with arginine.
Molecular consequence: missense variant.
Genome position (GRCh38, 1-based): chr3:142,524,144, T>C on the plus strand (A>G on the coding strand, the complement: ATR is on the minus strand). VCF-style: chr3-142524144-T-C. GRCh37 (hg19) VCF-style: chr3-142242986-T-C.
Other names: c.3809A>G, p.Gln1270Arg (NM_001354579.2); short protein forms Q1334R, Q1270R.
Identifiers: ClinVar variation 1919859 (VCV001919859.5), dbSNP rs2473266131, ClinGen allele CA354802707.
Genomic context (GRCh38, chr3:142,524,144, plus strand): 5'-CAGAGCAACCGAGCTTGAGAGTTTGCATCTTGGCAACCTTTCAAAAGCACTGTCACCAAC[T>C]GTGAGATAATAGGTTCTACTGTTTCACTGTCTGTTGCATACTTTATCAGTTTTTCCTAAA-3'
Protein context (NP_001175.2, residues 1324-1344): DSETVEPIIS[Gln1334Arg]LVTVLLKGCQ